The following is an entry in ClinVar:

ClinVar aggregate classification (germline): Uncertain significance. Review status: criteria provided, single submitter (1 of 4 stars). 2 submissions from 2 submitters: Uncertain significance (1). 1 of the submissions does not count toward it. Last evaluated 2023-10-25.

Conditions:
Short stature and advanced bone age, with or without early-onset osteoarthritis and/or osteochondritis dissecans (SSOAOD). Identifiers: Orphanet 251262, MedGen C3665488, MONDO:0100462, OMIM 165800.
Inborn genetic diseases. Identifiers: MedGen C0950123, MeSH D030342.

Allele frequency attached by ClinVar (database versions not stated): gnomAD exomes below 0.00001; gnomAD 0.00002; TOPMed 0.00003; ExAC 0.00007; 1000 Genomes Project 0.00020; 1000 Genomes Project 30x 0.00031.
gnomAD v4.1: 9 of 1,613,930 alleles (0.00056%); highest among the groups gnomAD compares: East Asian, 0.02%; no homozygotes.

Submissions (2):

Ambry Genetics
Classification: Uncertain significance for Inborn genetic diseases. Last evaluated: 2023-10-25. Review status: criteria provided, single submitter. Criteria: Ambry Variant Classification Scheme 2023. Collection method: clinical testing. Allele origin: germline.

Chaochun Lab, Department of Endocrinology, Children's Hospital, Zhejiang University School Of Medicine
Classification: Uncertain significance for Short stature and advanced bone age, with or without early-onset osteoarthritis and/or osteochondritis dissecans. Last evaluated: 2021-08-26. Review status: no assertion criteria provided. Collection method: clinical testing. Allele origin: maternal. Inheritance: Autosomal dominant inheritance. Affected: yes. Observed: 1 heterozygote. Not counted in ClinVar's aggregate classification.
Comment: Short stature was main manifestation.

NM_001369268.1(ACAN):c.4903G>A (p.Gly1635Arg)

Gene: ACAN (aggrecan; plus strand). Cytogenetic location: 15q26.1.
Variant type: single nucleotide variant.
Coding change: c.4903G>A on transcript NM_001369268.1 (MANE Select); coding-DNA position 4903, G replaced by A.
Protein change: p.Gly1635Arg; replaces glycine 1635 with arginine.
Molecular consequence: missense variant.
Genome position (GRCh38, 1-based): chr15:88,857,488, G>A. VCF-style: chr15-88857488-G-A. GRCh37 (hg19) VCF-style: chr15-89400719-G-A.
Other names: c.4903G>A, p.Gly1635Arg (NM_001135.4, NM_001411096.1, NM_001411097.1 and 1 more transcripts); short protein forms G1635R.
Identifiers: ClinVar variation 2505541 (VCV002505541.3), dbSNP rs575457851, ClinGen allele CA7720131.